The following is an entry in ClinVar:

ClinVar aggregate classification (germline): Uncertain significance (1 of 4 stars; one submission).

Conditions:
Cardiovascular phenotype. Identifiers: MedGen CN230736.

Submission:

Ambry Genetics
Classification: Uncertain significance for Cardiovascular phenotype. Last evaluated: 2026-06-09. Review status: criteria provided, single submitter. Criteria: Ambry Variant Classification Scheme 2023. Collection method: clinical testing. Allele origin: germline.
Comment: The p.W1179R variant (also known as c.3535T>C), located in coding exon 50 of the COL1A2 gene, results from a T to C substitution at nucleotide position 3535. The tryptophan at codon 1179 is replaced by arginine, an amino acid with dissimilar properties. This amino acid position is conserved. In addition, this alteration is predicted to be deleterious by in silico analysis. Based on the available evidence, the clinical significance of this variant remains unclear.

NM_000089.4(COL1A2):c.3535T>C (p.Trp1179Arg)

Gene: COL1A2 (collagen type I alpha 2 chain; plus strand). Cytogenetic location: 7q21.3.
Variant type: single nucleotide variant.
Coding change: c.3535T>C on transcript NM_000089.4 (MANE Select); coding-DNA position 3535, T replaced by C.
Protein change: p.Trp1179Arg; replaces tryptophan 1179 with arginine.
Molecular consequence: missense variant.
Genome position (GRCh38, 1-based): chr7:94,428,301, T>C. VCF-style: chr7-94428301-T-C. GRCh37 (hg19) VCF-style: chr7-94057613-T-C.
Other names: short protein forms W1179R.
Identifiers: ClinVar variation 4869139 (VCV004869139.1).